The following is an entry in ClinVar:

ClinVar aggregate classification (germline): Uncertain significance (1 of 4 stars; one submission).

Submission:

Labcorp Genetics (formerly Invitae), Labcorp
Classification: Uncertain significance. Last evaluated: 2024-09-16. Review status: criteria provided, single submitter. Criteria: Invitae Variant Classification Sherloc (09022015). Collection method: clinical testing. Allele origin: germline.
Comment: This sequence change falls in intron 12 of the DCHS1 gene. It does not directly change the encoded amino acid sequence of the DCHS1 protein. It affects a nucleotide within the consensus splice site. This variant is not present in population databases (gnomAD no frequency). This variant has not been reported in the literature in individuals affected with DCHS1-related conditions. Variants that disrupt the consensus splice site are a relatively common cause of aberrant splicing (PMID: 17576681, 9536098). Algorithms developed to predict the effect of sequence changes on RNA splicing suggest that this variant is not likely to affect RNA splicing. In summary, the available evidence is currently insufficient to determine the role of this variant in disease. Therefore, it has been classified as a Variant of Uncertain Significance.

Literature cited by the submitters: PubMed 17576681; PubMed 9536098.

NM_003737.4(DCHS1):c.5161+6T>G

Gene: DCHS1 (dachsous cadherin-related 1; minus strand). Cytogenetic location: 11p15.4.
Variant type: single nucleotide variant.
Coding change: c.5161+6T>G on transcript NM_003737.4 (MANE Select); 6 bases into the intron after coding-DNA position 5161, T replaced by G.
Molecular consequence: intron variant.
Genome position (GRCh38, 1-based): chr11:6,629,446, A>C on the plus strand (T>G on the coding strand, the complement: DCHS1 is on the minus strand). VCF-style: chr11-6629446-A-C. GRCh37 (hg19) VCF-style: chr11-6650677-A-C.
Identifiers: ClinVar variation 3685909 (VCV003685909.2).
Genomic context (GRCh38, chr11:6,629,446, plus strand): 5'-TCTATCCAGGTAACACTGGTGTTTACAACACCTCACTCAGGCTCTTGGGGTCCTGTCAAC[A>C]TGTACCTGTCAGGTTGATCTCCTCCTGTTCCTCTCGATCCAGGGCCCGAAGAGTCGTGAG-3'